The following is an entry in ClinVar:

NM_000321.3(RB1):c.1372G>T (p.Glu458Ter)

Gene: RB1 (RB transcriptional corepressor 1; plus strand). Cytogenetic location: 13q14.2.
Variant type: single nucleotide variant.
Coding change: c.1372G>T on transcript NM_000321.3 (MANE Select); coding-DNA position 1372, G replaced by T.
Protein change: p.Glu458Ter; replaces glutamic acid 458 with a stop codon.
Molecular consequence: nonsense.
Genome position (GRCh38, 1-based): chr13:48,379,633, G>T. VCF-style: chr13-48379633-G-T. GRCh37 (hg19) VCF-style: chr13-48953769-G-T.
Other names: short protein forms E458*.
Identifiers: ClinVar variation 428706 (VCV000428706.9), dbSNP rs1131690884, ClinGen allele CA388162615.

ClinVar aggregate classification (germline): Pathogenic. Review status: criteria provided, multiple submitters, no conflicts (2 of 4 stars). 2 submissions from 2 submitters: Pathogenic (2). Last evaluated 2023-02-01.

Conditions:
Hereditary cancer-predisposing syndrome. Also called: Hereditary Cancer Syndrome; Neoplastic Syndromes, Hereditary; Hereditary neoplastic syndrome; Tumor predisposition. Identifiers: Orphanet 140162, MedGen C0027672, MeSH D009386, MONDO:0015356.
Retinoblastoma (RB1). Also called: RETINOBLASTOMA, SOMATIC. Identifiers: Orphanet 790, MedGen C0035335, MeSH D012175, MONDO:0008380, OMIM 180200, HP:0009919. Disease mechanism: loss of function. Inheritance: Both sporadic and heritable forms are tested..

Submissions (3):

Labcorp Genetics (formerly Invitae), Labcorp
Classification: Pathogenic for Retinoblastoma. Last evaluated: 2023-02-01. Review status: criteria provided, single submitter. Criteria: Invitae Variant Classification Sherloc (09022015). Collection method: clinical testing. Allele origin: germline.
Comment: This sequence change creates a premature translational stop signal (p.Glu458*) in the RB1 gene. It is expected to result in an absent or disrupted protein product. Loss-of-function variants in RB1 are known to be pathogenic (PMID: 17096365). This variant is not present in population databases (gnomAD no frequency). This premature translational stop signal has been observed in individual(s) with retinoblastoma (PMID: 12541220). ClinVar contains an entry for this variant (Variation ID: 428706). Algorithms developed to predict the effect of sequence changes on RNA splicing suggest that this variant may disrupt the consensus splice site. For these reasons, this variant has been classified as Pathogenic.

Ambry Genetics
Classification: Pathogenic for Hereditary cancer-predisposing syndrome. Last evaluated: 2015-01-14. Review status: criteria provided, single submitter. Criteria: Ambry Variant Classification Scheme 2023. Collection method: clinical testing. Allele origin: germline.
Comment: The p.E458* pathogenic mutation (also known as c.1372G>T) located in coding exon 14 of the RB1 gene, results from a G to T substitution at nucleotide position 1372. This changes the amino acid from a glutamic acid to a stop codon within coding exon 14. The p.E458* alternation has been reported in the literature in an individual with retinoblastoma (Richter S. et al, Am. J. Hum. Genet. 2003 Feb; 72(2):253-69). In addition to the clinical data presented in the literature, since premature stop codons are typically deleterious in nature, this alteration is interpreted as a disease-causing mutation (ACMG Recommendations for Standards for Interpretation and Reporting of Sequence Variations. Revision 2007. Genet Med. 2008;10:294).

Dr. Peter K. Rogan Lab, Western University
No classification provided (evidence only). Condition: Malignant tumor of urinary bladder. Review status: no classification provided. Collection method: in vitro. Allele origin: not applicable. Functional consequence: skipped exon. Not counted in ClinVar's aggregate classification.

Literature cited by the submitters: PubMed 17096365 (cited by Labcorp Genetics (formerly Invitae), Labcorp); PubMed 12541220 (cited by Labcorp Genetics (formerly Invitae), Labcorp and Ambry Genetics).